The following is an entry in ClinVar:

ClinVar aggregate classification (germline): Conflicting classifications of pathogenicity. Review status: criteria provided, conflicting classifications (1 of 4 stars). 2 submissions from 2 submitters: Likely pathogenic (1); Uncertain significance (1). Last evaluated 2024-05-10.

Conditions:
Episodic ataxia type 1 (EA1). Also called: ATAXIA, EPISODIC, WITH MYOKYMIA; MYOKYMIA WITH PERIODIC ATAXIA; Episodic ataxia/myokymia syndrome; PAROXYSMAL ATAXIA WITH NEUROMYOTONIA, HEREDITARY. Identifiers: Orphanet 37612, Orphanet 972, MedGen C1719788, MONDO:0008047, OMIM 160120.

Submissions (2):

GeneDx
Classification: Uncertain significance. Last evaluated: 2024-05-10. Review status: criteria provided, single submitter. Criteria: GeneDx Variant Classification Process June 2021. Collection method: clinical testing. Allele origin: germline. Affected: yes.
Comment: Not observed at significant frequency in large population cohorts (gnomAD); In silico analysis supports that this missense variant has a deleterious effect on protein structure/function; This variant is associated with the following publications: (PMID: 32316562, 37240170)

MVZ Martinsried, Medicover Genetics
Classification: Likely pathogenic for Episodic ataxia type 1. Last evaluated: 2017-03-14. Review status: criteria provided, single submitter. Criteria: ACMG Guidelines, 2015. Collection method: clinical testing. Allele origin: unknown. Affected: yes.

NM_000217.3(KCNA1):c.1183G>T (p.Ala395Ser)

Gene: KCNA1 (potassium voltage-gated channel subfamily A member 1; plus strand). Cytogenetic location: 12p13.32.
Variant type: single nucleotide variant.
Coding change: c.1183G>T on transcript NM_000217.3 (MANE Select); coding-DNA position 1183, G replaced by T.
Protein change: p.Ala395Ser; replaces alanine 395 with serine.
Molecular consequence: missense variant.
Genome position (GRCh38, 1-based): chr12:4,912,561, G>T. VCF-style: chr12-4912561-G-T. GRCh37 (hg19) VCF-style: chr12-5021727-G-T.
Other names: short protein forms A395S.
Identifiers: ClinVar variation 431378 (VCV000431378.2), dbSNP rs1135401950, ClinGen allele CA383456228.
Genomic context (GRCh38, chr12:4,912,561, plus strand): 5'-TACGGTGACATGTACCCTGTGACAATTGGAGGCAAGATCGTGGGCTCCTTGTGTGCCATC[G>T]CTGGTGTGCTAACAATTGCCCTGCCCGTACCTGTCATTGTGTCCAATTTCAACTATTTCT-3'
Protein context (NP_000208.2, residues 385-405): GKIVGSLCAI[Ala395Ser]GVLTIALPVP